The following is an entry in ClinVar:

NC_000011.9:g.(?_46880534)_(46918565_?)dup

Gene: LRP4 (LDL receptor related protein 4; minus strand). Cytogenetic location: 11p11.2.
Variant type: Duplication.
Identifiers: ClinVar variation 2424405 (VCV002424405.3).

ClinVar aggregate classification (germline): Uncertain significance (1 of 4 stars; one submission).

Conditions:
Congenital myasthenic syndrome 17. Identifiers: Orphanet 590, MedGen C4225377, MONDO:0014578, OMIM 616304.
Sclerosteosis 2 (SOST2). Identifiers: Orphanet 3152, MedGen C3280402, MONDO:0013679, OMIM 614305.
Cenani-Lenz syndactyly syndrome. Also called: CENANI SYNDACTYLISM; SYNDACTYLY, TYPE VII. Identifiers: Orphanet 3258, MedGen C1859309, MONDO:0008931, OMIM 212780.

Submission:

Labcorp Genetics (formerly Invitae), Labcorp
Classification: Uncertain significance for Cenani-Lenz syndactyly syndrome; Sclerosteosis 2; Congenital myasthenic syndrome 17. Last evaluated: 2022-04-28. Review status: criteria provided, single submitter. Criteria: Invitae Variant Classification Sherloc (09022015). Collection method: clinical testing. Allele origin: germline.
Comment: This variant results in a copy number gain of the genomic region encompassing exon(s) 8-38 of the LRP4 gene. This region includes the termination codon of the gene. This copy number gain extends beyond the assayed region for this gene and therefore may encompass additional genes. As the precise location of this event is unknown, it may be in tandem or it may be located elsewhere in the genome. This variant has not been reported in the literature in individuals affected with LRP4-related conditions. In summary, the available evidence is currently insufficient to determine the role of this variant in disease. Therefore, it has been classified as a Variant of Uncertain Significance.